The following is an entry in ClinVar:

NM_001458.5(FLNC):c.2539T>C (p.Phe847Leu)

Gene: FLNC (filamin C; plus strand). Cytogenetic location: 7q32.1.
Variant type: single nucleotide variant.
Coding change: c.2539T>C on transcript NM_001458.5 (MANE Select); coding-DNA position 2539, T replaced by C.
Protein change: p.Phe847Leu; replaces phenylalanine 847 with leucine.
Molecular consequence: missense variant.
Genome position (GRCh38, 1-based): chr7:128,842,943, T>C. VCF-style: chr7-128842943-T-C. GRCh37 (hg19) VCF-style: chr7-128482997-T-C.
Other names: c.2539T>C, p.Phe847Leu (NM_001127487.2); short protein forms F847L.
Identifiers: ClinVar variation 1961786 (VCV001961786.5), dbSNP rs2536632387, ClinGen allele CA369192026.

ClinVar aggregate classification (germline): Uncertain significance (1 of 4 stars; one submission).

Conditions:
Myofibrillar myopathy 5. Also called: Filaminopathy (type); FILAMINOPATHY, AUTOSOMAL DOMINANT. Identifiers: Orphanet 171445, MedGen C1836050, MONDO:0012289, OMIM 609524.
Distal myopathy with posterior leg and anterior hand involvement. Also called: WILLIAMS DISTAL MYOPATHY. Identifiers: Orphanet 63273, MedGen C3279722, MONDO:0013550, OMIM 614065.
Hypertrophic cardiomyopathy 26. Also called: Cardiomyopathy, familial hypertrophic, 26. Identifiers: Orphanet 75249, MedGen C4310749, MONDO:0014883, OMIM 617047.

Submission:

Labcorp Genetics (formerly Invitae), Labcorp
Classification: Uncertain significance for Distal myopathy with posterior leg and anterior hand involvement; Myofibrillar myopathy 5; Hypertrophic cardiomyopathy 26. Last evaluated: 2024-02-29. Review status: criteria provided, single submitter. Criteria: Invitae Variant Classification Sherloc (09022015). Collection method: clinical testing. Allele origin: germline.
Comment: This sequence change replaces phenylalanine, which is neutral and non-polar, with leucine, which is neutral and non-polar, at codon 847 of the FLNC protein (p.Phe847Leu). This variant is not present in population databases (gnomAD no frequency). This variant has not been reported in the literature in individuals affected with FLNC-related conditions. ClinVar contains an entry for this variant (Variation ID: 1961786). Advanced modeling of protein sequence and biophysical properties (such as structural, functional, and spatial information, amino acid conservation, physicochemical variation, residue mobility, and thermodynamic stability) has been performed at Invitae for this missense variant, however the output from this modeling did not meet the statistical confidence thresholds required to predict the impact of this variant on FLNC protein function. In summary, the available evidence is currently insufficient to determine the role of this variant in disease. Therefore, it has been classified as a Variant of Uncertain Significance.